The following is an entry in ClinVar:

NM_017950.4(CCDC40):c.3030T>C (p.Asp1010=)

Gene: CCDC40 (coiled-coil domain 40 molecular ruler complex subunit; plus strand). Cytogenetic location: 17q25.3.
Variant type: single nucleotide variant.
Coding change: c.3030T>C on transcript NM_017950.4 (MANE Select); coding-DNA position 3030, T replaced by C.
Protein change: p.Asp1010=; no amino-acid change (aspartic acid 1010 retained).
Molecular consequence: synonymous variant.
Genome position (GRCh38, 1-based): chr17:80,097,253, T>C. VCF-style: chr17-80097253-T-C. GRCh37 (hg19) VCF-style: chr17-78071052-T-C.
Other names: p.Asp1010=.
Identifiers: ClinVar variation 178711 (VCV000178711.32), dbSNP rs12952612, ClinGen allele CA182834.

ClinVar aggregate classification (germline): Benign/Likely benign. Review status: criteria provided, multiple submitters, no conflicts (2 of 4 stars). 12 submissions from 12 submitters: Benign (9); Likely benign (1). 2 of the submissions do not count toward it. Last evaluated 2026-02-04.

Conditions:
Primary ciliary dyskinesia 15. Also called: CILIARY DYSKINESIA, PRIMARY, 15, WITH OR WITHOUT SITUS INVERSUS. Identifiers: Orphanet 244, MedGen C3151137, MONDO:0013435, OMIM 613808.
Primary ciliary dyskinesia. Also called: Ciliary dyskinesia. Identifiers: Orphanet 244, MedGen C0008780, MONDO:0016575, HP:0012265.

Allele frequency attached by ClinVar (database versions not stated): TOPMed 0.70169; 1000 Genomes Project 30x 0.71362; 1000 Genomes Project 0.71426; gnomAD 0.71802 and 0.72074; gnomAD exomes 0.72245 and 0.74203; ESP Exome Variant Server 0.73720.
gnomAD v4.1: 1,194,378 of 1,613,562 alleles (74%); highest among the groups gnomAD compares: Middle Eastern, 82%; 444,182 homozygotes.

Submissions (12):

Labcorp Genetics (formerly Invitae), Labcorp
Classification: Benign for Primary ciliary dyskinesia. Last evaluated: 2026-02-04. Review status: criteria provided, single submitter. Criteria: Invitae Variant Classification Sherloc (09022015). Collection method: clinical testing. Allele origin: germline.

Blueprint Genetics
Classification: Likely benign. Last evaluated: 2024-11-28. Review status: criteria provided, single submitter. Criteria: ACMG Guidelines, 2015. Collection method: clinical testing. Allele origin: germline.

Mayo Clinic Laboratories, Mayo Clinic
Classification: Benign. Last evaluated: 2022-04-26. Review status: criteria provided, single submitter. Criteria: ACMG Guidelines, 2015. Collection method: clinical testing. Allele origin: germline. Observed: 183 variant alleles.

Genome-Nilou Lab
Classification: Benign for Primary ciliary dyskinesia 15. Last evaluated: 2021-07-14. Review status: criteria provided, single submitter. Criteria: ACMG Guidelines, 2015. Collection method: clinical testing. Allele origin: germline. Affected: no.

GeneDx
Classification: Benign. Last evaluated: 2018-07-05. Review status: criteria provided, single submitter. Criteria: GeneDx Variant Classification Process June 2021. Collection method: clinical testing. Allele origin: germline. Affected: yes.

Illumina Laboratory Services, Illumina
Classification: Benign for Primary ciliary dyskinesia 15. Last evaluated: 2018-01-12. Review status: criteria provided, single submitter. Criteria: ICSL Variant Classification Criteria 13 December 2019. Collection method: clinical testing. Allele origin: germline.
Comment: This variant was observed in the ICSL laboratory as part of a predisposition screen in an ostensibly healthy population. It had not been previously curated by ICSL or reported in the Human Gene Mutation Database (HGMD: prior to June 1st, 2018), and was therefore a candidate for classification through an automated scoring system. Utilizing variant allele frequency, disease prevalence and penetrance estimates, and inheritance mode, an automated score was calculated to assess if this variant is too frequent to cause the disease. Based on the score and internal cut-off values, a variant classified as benign is not then subjected to further curation. The score for this variant resulted in a classification of benign for this disease.

Ambry Genetics
Classification: Benign for Primary ciliary dyskinesia. Last evaluated: 2016-07-07. Review status: criteria provided, single submitter. Criteria: Ambry Variant Classification Scheme 2023. Collection method: clinical testing. Allele origin: germline.

Laboratory for Molecular Medicine, Mass General Brigham Personalized Medicine
Classification: Benign. Last evaluated: 2013-02-21. Review status: criteria provided, single submitter. Criteria: LMM Criteria. Collection method: clinical testing. Allele origin: germline. Observed: 101 variant alleles.
Comment: Asp1010Asp in exon 19 of CCDC40: This variant is not expected to have clinical s ignificance because it does not alter an amino acid residue and is not located w ithin the splice consensus sequence. It has been identified in 29.2% (1182/4046) of African American chromosomes from a broad population by the NHLBI Exome Sequ encing Project (dbSNP rs12952612).

Breakthrough Genomics
Classification: Benign. Review status: criteria provided, single submitter. Criteria: ACMG Guidelines, 2015. Collection method: not provided. Allele origin: germline. Inheritance: Autosomal recessive inheritance. Affected: yes.

PreventionGenetics, part of Exact Sciences
Classification: Benign. Review status: criteria provided, single submitter. Criteria: ACMG Guidelines, 2015. Collection method: clinical testing. Allele origin: germline.

Clinical Genetics DNA and cytogenetics Diagnostics Lab, Erasmus MC, Erasmus Medical Center
Classification: Benign. Review status: no assertion criteria provided. Collection method: clinical testing. Allele origin: germline. Affected: yes. Study: VKGL Data-share Consensus. Not counted in ClinVar's aggregate classification.

Diagnostic Laboratory, Department of Genetics, University Medical Center Groningen
Classification: Benign for Primary ciliary dyskinesia 15. Review status: no assertion criteria provided. Collection method: clinical testing. Allele origin: germline. Affected: yes. Study: VKGL Data-share Consensus. Not counted in ClinVar's aggregate classification.